The following is an entry in ClinVar:

NM_001267550.2(TTN):c.89198-1G>A

Genes: TTN-AS1 (TTN antisense RNA 1; plus strand), TTN (titin; minus strand). Cytogenetic location: 2q31.2.
Variant type: single nucleotide variant.
Coding change: c.89198-1G>A on transcript NM_001267550.2 (MANE Select); the canonical splice acceptor site of the intron before coding-DNA position 89198, G replaced by A.
Molecular consequence: splice acceptor variant.
Genome position (GRCh38, 1-based): chr2:178,553,808, C>T on the plus strand (G>A on the coding strand, the complement: TTN is on the minus strand). VCF-style: chr2-178553808-C-T. GRCh37 (hg19) VCF-style: chr2-179418535-C-T.
Other names: c.62003-1G>A (NM_003319.4); c.62579-1G>A (NM_133437.4); c.62378-1G>A (NM_133432.3); c.81494-1G>A (NM_133378.4); c.84275-1G>A (NM_001256850.1).
Identifiers: ClinVar variation 3755442 (VCV003755442.2).

ClinVar aggregate classification (germline): Likely pathogenic (1 of 4 stars; one submission).

Conditions:
Dilated cardiomyopathy 1G (CMD1G). Identifiers: Orphanet 154, MedGen C1858763, MONDO:0011400, OMIM 604145.
Autosomal recessive limb-girdle muscular dystrophy type 2J (LGMDR10). Also called: Limb-girdle muscular dystrophy, type 2J; MUSCULAR DYSTROPHY, LIMB-GIRDLE, AUTOSOMAL RECESSIVE 10. Identifiers: Orphanet 140922, MedGen C1837342, MONDO:0012127, OMIM 608807.

Submission:

Labcorp Genetics (formerly Invitae), Labcorp
Classification: Likely pathogenic for Dilated cardiomyopathy 1G; Autosomal recessive limb-girdle muscular dystrophy type 2J. Last evaluated: 2024-03-21. Review status: criteria provided, single submitter. Criteria: Invitae Variant Classification Sherloc (09022015). Collection method: clinical testing. Allele origin: germline.
Comment: This sequence change affects an acceptor splice site in intron 333 of the TTN gene. It is expected to disrupt RNA splicing and likely results in a truncated or disrupted TTN protein. This variant is not present in population databases (gnomAD no frequency). This variant has not been reported in the literature in individuals affected with TTN-related conditions. Algorithms developed to predict the effect of sequence changes on RNA splicing suggest that this variant may disrupt the consensus splice site. This variant is located in the A band of TTN (PMID: 25589632). Truncating variants in this region are significantly overrepresented in patients affected with dilated cardiomyopathy (PMID: 25589632). Truncating variants in this region have also been reported in individuals affected with autosomal recessive centronuclear myopathy (PMID: 23975875). In summary, the currently available evidence indicates that the variant is pathogenic, but additional data are needed to prove that conclusively. Therefore, this variant has been classified as Likely Pathogenic.

Literature cited by the submitters: PubMed 25589632; PubMed 23975875.